The following is an entry in ClinVar:

ClinVar aggregate classification (germline): Uncertain significance (1 of 4 stars; one submission).

Conditions:
Rhabdoid tumor predisposition syndrome 2 (RTPS2). Identifiers: Orphanet 231108, Orphanet 69077, MedGen C2750074, MONDO:0013224, OMIM 613325.

Submission:

Labcorp Genetics (formerly Invitae), Labcorp
Classification: Uncertain significance for Rhabdoid tumor predisposition syndrome 2. Last evaluated: 2019-02-28. Review status: criteria provided, single submitter. Criteria: Invitae Variant Classification Sherloc (09022015). Collection method: clinical testing. Allele origin: germline.
Comment: In summary, the available evidence is currently insufficient to determine the role of this variant in disease. Therefore, it has been classified as a Variant of Uncertain Significance. Algorithms developed to predict the effect of missense changes on protein structure and function are either unavailable or do not agree on the potential impact of this missense change (SIFT: "Deleterious"; PolyPhen-2: "Probably Damaging"; Align-GVGD: "Class C15"). This variant has not been reported in the literature in individuals with SMARCA4-related conditions. This variant is not present in population databases (ExAC no frequency). This sequence change replaces glutamine with histidine at codon 115 of the SMARCA4 protein (p.Gln115His). The glutamine residue is highly conserved and there is a small physicochemical difference between glutamine and histidine.

NM_003072.5(SMARCA4):c.345G>C (p.Gln115His)

Gene: SMARCA4 (SWI/SNF related BAF chromatin remodeling complex subunit ATPase 4; plus strand). Cytogenetic location: 19p13.2.
Variant type: single nucleotide variant.
Coding change: c.345G>C on transcript NM_003072.5 (MANE Select); coding-DNA position 345, G replaced by C.
Protein change: p.Gln115His; replaces glutamine 115 with histidine.
Molecular consequence: missense variant. On other transcripts: non-coding transcript variant (1).
Genome position (GRCh38, 1-based): chr19:10,985,395, G>C. VCF-style: chr19-10985395-G-C. GRCh37 (hg19) VCF-style: chr19-11096071-G-C.
Other names: c.345G>C, p.Gln115His (NM_001128844.3, NM_001128845.2, NM_001128846.2 and 4 more transcripts); short protein forms Q115H.
Identifiers: ClinVar variation 836739 (VCV000836739.9), dbSNP rs2085937175, ClinGen allele CA404055378.